The following is an entry in ClinVar:

ClinVar aggregate classification (germline): Uncertain significance (1 of 4 stars; one submission).

Conditions:
Nemaline myopathy 2 (NEM2). Also called: Nemaline myopathy 2, autosomal recessive. Identifiers: MedGen C1850569, MONDO:0009725, OMIM 256030.

Submission:

Labcorp Genetics (formerly Invitae), Labcorp
Classification: Uncertain significance for Nemaline myopathy 2. Last evaluated: 2018-05-18. Review status: criteria provided, single submitter. Criteria: Invitae Variant Classification Sherloc (09022015). Collection method: clinical testing. Allele origin: germline.
Comment: Algorithms developed to predict the effect of missense changes on protein structure and function are either unavailable or do not agree on the potential impact of this missense change (SIFT: "Deleterious"; PolyPhen-2: "Not Available"; Align-GVGD: "Class C0"). This sequence change replaces alanine with threonine at codon 3513 of the NEB protein (p.Ala3513Thr). The alanine residue is moderately conserved and there is a small physicochemical difference between alanine and threonine. This variant is not present in population databases (ExAC no frequency). This variant has not been reported in the literature in individuals with NEB-related disease. In summary, the available evidence is currently insufficient to determine the role of this variant in disease. Therefore, it has been classified as a Variant of Uncertain Significance.

NM_001164508.2(NEB):c.10537G>A (p.Ala3513Thr)

Gene: NEB (nebulin; minus strand). Cytogenetic location: 2q23.3.
Variant type: single nucleotide variant.
Coding change: c.10537G>A on transcript NM_001164508.2 (MANE Select); coding-DNA position 10537, G replaced by A.
Protein change: p.Ala3513Thr; replaces alanine 3513 with threonine.
Molecular consequence: missense variant.
Genome position (GRCh38, 1-based): chr2:151,620,942, C>T on the plus strand (G>A on the coding strand, the complement: NEB is on the minus strand). VCF-style: chr2-151620942-C-T. GRCh37 (hg19) VCF-style: chr2-152477456-C-T.
Other names: c.10537G>A, p.Ala3513Thr (NM_001164507.2, NM_001271208.2); c.9808G>A, p.Ala3270Thr (NM_004543.5); short protein forms A3513T, A3270T.
Identifiers: ClinVar variation 571054 (VCV000571054.8), dbSNP rs1560541262, ClinGen allele CA348789180.